The following is an entry in ClinVar:

NM_006009.4(TUBA1A):c.983_984delinsAA (p.Val328Glu)

Gene: TUBA1A (tubulin alpha 1a; minus strand). Cytogenetic location: 12q13.12.
Variant type: Indel.
Coding change: c.983_984delinsAA on transcript NM_006009.4 (MANE Select); coding-DNA positions 983 to 984, TC replaced by AA.
Protein change: p.Val328Glu; replaces valine 328 with glutamic acid.
Molecular consequence: missense variant.
Genome position (GRCh38, 1-based): chr12:49,185,382-49,185,383, GA replaced by TT on the plus strand (TC replaced by AA on the coding strand, the reverse complement: TUBA1A is on the minus strand). VCF-style: chr12-49185382-GA-TT. GRCh37 (hg19) VCF-style: chr12-49579165-GA-TT.
Other names: c.983_984delinsAA, p.Val328Glu (NM_001270399.2); c.878_879delinsAA, p.Val293Glu (NM_001270400.2); short protein forms V293E, V328E.
Identifiers: ClinVar variation 2005489 (VCV002005489.4), dbSNP rs2498859763, ClinGen allele CA2580086335.

ClinVar aggregate classification (germline): Uncertain significance (1 of 4 stars; one submission).

Submission:

Labcorp Genetics (formerly Invitae), Labcorp
Classification: Uncertain significance. Last evaluated: 2022-10-17. Review status: criteria provided, single submitter. Criteria: Invitae Variant Classification Sherloc (09022015). Collection method: clinical testing. Allele origin: germline.
Comment: In summary, the available evidence is currently insufficient to determine the role of this variant in disease. Therefore, it has been classified as a Variant of Uncertain Significance. Algorithms developed to predict the effect of missense changes on protein structure and function are either unavailable or do not agree on the potential impact of this missense change (SIFT: "Not Available"; PolyPhen-2: "Probably Damaging"; Align-GVGD: "Not Available"). This variant has not been reported in the literature in individuals affected with TUBA1A-related conditions. Information on the frequency of this variant in the gnomAD database is not available, as this variant may be reported differently in the database. This sequence change replaces valine, which is neutral and non-polar, with glutamic acid, which is acidic and polar, at codon 328 of the TUBA1A protein (p.Val328Glu).